The following is an entry in ClinVar:

NM_001164508.2(NEB):c.25166G>A (p.Arg8389Gln)

Genes: RIF1 (replication timing regulatory factor 1; plus strand), NEB (nebulin; minus strand). Cytogenetic location: 2q23.3.
Variant type: single nucleotide variant.
Coding change: c.25166G>A on transcript NM_001164508.2 (MANE Select); coding-DNA position 25166, G replaced by A.
Protein change: p.Arg8389Gln; replaces arginine 8389 with glutamine.
Molecular consequence: missense variant.
Genome position (GRCh38, 1-based): chr2:151,490,503, C>T on the plus strand (G>A on the coding strand, the complement: NEB is on the minus strand). VCF-style: chr2-151490503-C-T. GRCh37 (hg19) VCF-style: chr2-152347017-C-T.
Other names: c.25166G>A, p.Arg8389Gln (NM_001164507.2); c.25271G>A, p.Arg8424Gln (NM_001271208.2); c.19598G>A, p.Arg6533Gln (NM_004543.5); c.19598G>A (NM_004543.4); short protein forms R6533Q, R8424Q, R8389Q.
Identifiers: ClinVar variation 2051382 (VCV002051382.6), dbSNP rs371783915, ClinGen allele CA1905790.

ClinVar aggregate classification (germline): Uncertain significance. Review status: criteria provided, multiple submitters, no conflicts (2 of 4 stars). 3 submissions from 3 submitters: Uncertain significance (3). Last evaluated 2025-04-30.

Conditions:
Inborn genetic diseases. Identifiers: MedGen C0950123, MeSH D030342.
Nemaline myopathy 2 (NEM2). Also called: Nemaline myopathy 2, autosomal recessive. Identifiers: MedGen C1850569, MONDO:0009725, OMIM 256030.

Allele frequency attached by ClinVar (database versions not stated): gnomAD exomes 0.00001; ExAC 0.00003; TOPMed 0.00003; gnomAD 0.00005; ESP Exome Variant Server 0.00016.
gnomAD v4.1: 24 of 1,608,978 alleles (0.0015%); highest among the groups gnomAD compares: East Asian, 0.0067%; 1 homozygote.

Submissions (3):

Labcorp Genetics (formerly Invitae), Labcorp
Classification: Uncertain significance for Nemaline myopathy 2. Last evaluated: 2025-04-30. Review status: criteria provided, single submitter. Criteria: Invitae Variant Classification Sherloc (09022015). Collection method: clinical testing. Allele origin: germline.
Comment: This sequence change replaces arginine, which is basic and polar, with glutamine, which is neutral and polar, at codon 8424 of the NEB protein (p.Arg8424Gln). The frequency data for this variant in the population databases is considered unreliable, as metrics indicate poor data quality at this position in the gnomAD database. This variant has not been reported in the literature in individuals affected with NEB-related conditions. ClinVar contains an entry for this variant (Variation ID: 2051382). Experimental studies and prediction algorithms are not available or were not evaluated, and the functional significance of this variant is currently unknown. In summary, the available evidence is currently insufficient to determine the role of this variant in disease. Therefore, it has been classified as a Variant of Uncertain Significance.

Ambry Genetics
Classification: Uncertain significance for Inborn genetic diseases. Last evaluated: 2025-02-19. Review status: criteria provided, single submitter. Criteria: Ambry Variant Classification Scheme 2023. Collection method: clinical testing. Allele origin: germline.

Revvity Omics, Revvity
Classification: Uncertain significance. Last evaluated: 2020-12-11. Review status: criteria provided, single submitter. Criteria: ACMG Guidelines, 2015. Collection method: clinical testing. Allele origin: germline.